The following is an entry in ClinVar:

NM_014989.7(RIMS1):c.2523A>G (p.Glu841=)

Gene: RIMS1 (regulating synaptic membrane exocytosis 1; plus strand). Cytogenetic location: 6q13.
Variant type: single nucleotide variant.
Coding change: c.2523A>G on transcript NM_014989.7 (MANE Select); coding-DNA position 2523, A replaced by G.
Protein change: p.Glu841=; no amino-acid change (glutamic acid 841 retained).
Molecular consequence: synonymous variant.
Genome position (GRCh38, 1-based): chr6:72,251,071, A>G. VCF-style: chr6-72251071-A-G. GRCh37 (hg19) VCF-style: chr6-72960774-A-G.
Other names: c.945A>G, p.Glu315= (NM_001168407.2, NM_001168408.2, NM_001350414.2 and 37 more transcripts); c.702A>G, p.Glu234= (NM_001168409.2, NM_001350461.2, NM_001350463.2 and 6 more transcripts); c.900A>G, p.Glu300= (NM_001168410.2, NM_001350470.2, NM_001350472.2 and 2 more transcripts); c.876A>G, p.Glu292= (NM_001350421.2, NM_001350424.2, NM_001350428.2 and 6 more transcripts).
Identifiers: ClinVar variation 357846 (VCV000357846.43), dbSNP rs186078277, ClinGen allele CA3885972.

ClinVar aggregate classification (germline): Benign/Likely benign. Review status: criteria provided, multiple submitters, no conflicts (2 of 4 stars). 6 submissions from 6 submitters: Benign (1); Likely benign (3). 2 of the submissions do not count toward it. Last evaluated 2025-12-26.

Conditions:
Cone-rod dystrophy 7 (CORD7). Identifiers: Orphanet 1872, MedGen C1863634, MONDO:0011355, OMIM 603649.

Allele frequency attached by ClinVar (database versions not stated): ESP Exome Variant Server 0.00017; gnomAD 0.00029 and 0.00035; gnomAD exomes 0.00039 and 0.00042; TOPMed 0.00048; ExAC 0.00078; 1000 Genomes Project 0.00120; 1000 Genomes Project 30x 0.00125.
gnomAD v4.1: 680 of 1,585,610 alleles (0.043%); highest among the groups gnomAD compares: Middle Eastern, 0.63%; 1 homozygote.

Submissions (6):

Labcorp Genetics (formerly Invitae), Labcorp
Classification: Likely benign. Last evaluated: 2025-12-26. Review status: criteria provided, single submitter. Criteria: Invitae Variant Classification Sherloc (09022015). Collection method: clinical testing. Allele origin: germline.

Blueprint Genetics
Classification: Likely benign. Last evaluated: 2024-10-28. Review status: criteria provided, single submitter. Criteria: ACMG Guidelines, 2015. Collection method: clinical testing. Allele origin: germline.

CeGaT Center for Human Genetics Tuebingen
Classification: Benign. Last evaluated: 2022-03-01. Review status: criteria provided, single submitter. Criteria: CeGaT Center For Human Genetics Tuebingen Variant Classification Criteria Version 2. Collection method: clinical testing. Allele origin: germline. Affected: yes. Observed: 1 variant allele.
Comment: RIMS1: BS1, BS2

Illumina Laboratory Services, Illumina
Classification: Likely benign for Cone-rod dystrophy 7. Last evaluated: 2018-01-13. Review status: criteria provided, single submitter. Criteria: ICSL Variant Classification Criteria 13 December 2019. Collection method: clinical testing. Allele origin: germline.
Comment: This variant was observed in the ICSL laboratory as part of a predisposition screen in an ostensibly healthy population. It had not been previously curated by ICSL or reported in the Human Gene Mutation Database (HGMD: prior to June 1st, 2018), and was therefore a candidate for classification through an automated scoring system. Utilizing variant allele frequency, disease prevalence and penetrance estimates, and inheritance mode, an automated score was calculated to assess if this variant is too frequent to cause the disease. Based on the score and internal cut-off values, a variant classified as likely benign is not then subjected to further curation. The score for this variant resulted in a classification of likely benign for this disease.

Clinical Genetics DNA and cytogenetics Diagnostics Lab, Erasmus MC, Erasmus Medical Center
Classification: Likely benign. Review status: no assertion criteria provided. Collection method: clinical testing. Allele origin: germline. Affected: yes. Study: VKGL Data-share Consensus. Not counted in ClinVar's aggregate classification.

Clinical Genetics, Academic Medical Center
Classification: Benign. Review status: no assertion criteria provided. Collection method: clinical testing. Allele origin: germline. Affected: yes. Study: VKGL Data-share Consensus. Not counted in ClinVar's aggregate classification.